The following is an entry in ClinVar:

NM_014915.3(ANKRD26):c.4217T>C (p.Ile1406Thr)

Gene: ANKRD26 (ankyrin repeat domain containing 26; minus strand). Cytogenetic location: 10p12.1.
Variant type: single nucleotide variant.
Coding change: c.4217T>C on transcript NM_014915.3 (MANE Select); coding-DNA position 4217, T replaced by C.
Protein change: p.Ile1406Thr; replaces isoleucine 1406 with threonine.
Molecular consequence: missense variant.
Genome position (GRCh38, 1-based): chr10:27,017,791, A>G on the plus strand (T>C on the coding strand, the complement: ANKRD26 is on the minus strand). VCF-style: chr10-27017791-A-G. GRCh37 (hg19) VCF-style: chr10-27306720-A-G.
Other names: c.4214T>C, p.Ile1405Thr (NM_001256053.2); short protein forms I1405T, I1406T.
Identifiers: ClinVar variation 3395863 (VCV003395863.1).

ClinVar aggregate classification (germline): Uncertain significance (1 of 4 stars; one submission).

Conditions:
Inborn genetic diseases. Identifiers: MedGen C0950123, MeSH D030342.

gnomAD v4.1: 10 of 1,611,722 alleles (0.00062%); highest among the groups gnomAD compares: South Asian, 0.0022%; no homozygotes.

Submission:

Ambry Genetics
Classification: Uncertain significance for Inborn genetic diseases. Last evaluated: 2024-11-18. Review status: criteria provided, single submitter. Criteria: Ambry Variant Classification Scheme 2023. Collection method: clinical testing. Allele origin: germline.
Comment: The p.I1406T variant (also known as c.4217T>C), located in coding exon 30 of the ANKRD26 gene, results from a T to C substitution at nucleotide position 4217. The isoleucine at codon 1406 is replaced by threonine, an amino acid with similar properties. This amino acid position is conserved. In addition, this alteration is predicted to be tolerated by in silico analysis. Based on the available evidence, the clinical significance of this variant remains unclear.